The following is an entry in ClinVar:

NM_006231.4(POLE):c.4858G>T (p.Gly1620Trp)

Gene: POLE (DNA polymerase epsilon, catalytic subunit; minus strand). Cytogenetic location: 12q24.33.
Variant type: single nucleotide variant.
Coding change: c.4858G>T on transcript NM_006231.4 (MANE Select); coding-DNA position 4858, G replaced by T.
Protein change: p.Gly1620Trp; replaces glycine 1620 with tryptophan.
Molecular consequence: missense variant.
Genome position (GRCh38, 1-based): chr12:132,642,600, C>A on the plus strand (G>T on the coding strand, the complement: POLE is on the minus strand). VCF-style: chr12-132642600-C-A. GRCh37 (hg19) VCF-style: chr12-133219186-C-A.
Other names: short protein forms G1620W.
Identifiers: ClinVar variation 1408335 (VCV001408335.11), dbSNP rs1472629785, ClinGen allele CA387378119.

ClinVar aggregate classification (germline): Uncertain significance. Review status: criteria provided, multiple submitters, no conflicts (2 of 4 stars). 2 submissions from 2 submitters: Uncertain significance (2). Last evaluated 2025-07-03.

Conditions:
Hereditary cancer-predisposing syndrome. Also called: Hereditary Cancer Syndrome; Tumor predisposition; Hereditary neoplastic syndrome; Neoplastic Syndromes, Hereditary. Identifiers: Orphanet 140162, MedGen C0027672, MeSH D009386, MONDO:0015356.

Allele frequency attached by ClinVar (database versions not stated): gnomAD exomes below 0.00001 and 0.00001.
gnomAD v4.1: 16 of 1,613,582 alleles (0.00099%); highest among the groups gnomAD compares: Non-Finnish European, 0.0014%; no homozygotes.

Submissions (2):

Ambry Genetics
Classification: Uncertain significance for Hereditary cancer-predisposing syndrome. Last evaluated: 2025-07-03. Review status: criteria provided, single submitter. Criteria: Ambry Variant Classification Scheme 2023. Collection method: clinical testing. Allele origin: germline.
Comment: The p.G1620W variant (also known as c.4858G>T), located in coding exon 37 of the POLE gene, results from a G to T substitution at nucleotide position 4858. The glycine at codon 1620 is replaced by tryptophan, an amino acid with highly dissimilar properties. This amino acid position is conserved. In addition, this alteration is predicted to be tolerated by in silico analysis. Since supporting evidence is limited at this time, the clinical significance of this alteration remains unclear.

Labcorp Genetics (formerly Invitae), Labcorp
Classification: Uncertain significance. Last evaluated: 2025-02-12. Review status: criteria provided, single submitter. Criteria: Invitae Variant Classification Sherloc (09022015). Collection method: clinical testing. Allele origin: germline.
Comment: This sequence change replaces glycine, which is neutral and non-polar, with tryptophan, which is neutral and slightly polar, at codon 1620 of the POLE protein (p.Gly1620Trp). This variant is present in population databases (no rsID available, gnomAD 0.0009%). This variant has not been reported in the literature in individuals affected with POLE-related conditions. ClinVar contains an entry for this variant (Variation ID: 1408335). Invitae Evidence Modeling of protein sequence and biophysical properties (such as structural, functional, and spatial information, amino acid conservation, physicochemical variation, residue mobility, and thermodynamic stability) indicates that this missense variant is not expected to disrupt POLE protein function with a negative predictive value of 80%. In summary, the available evidence is currently insufficient to determine the role of this variant in disease. Therefore, it has been classified as a Variant of Uncertain Significance.